The following is an entry in ClinVar:

NM_017849.4(TMEM127):c.45GAG[1] (p.Arg16del)

Genes: TMEM127 (transmembrane protein 127; minus strand), LOC129934333 (ATAC-STARR-seq lymphoblastoid silent region 11759; plus strand). Cytogenetic location: 2q11.2.
Variant type: Microsatellite.
Coding change: c.45GAG[1] on transcript NM_017849.4 (MANE Select); one copy of the 3-base unit GAG starting at c.45; the reference has two copies in a row; one copy, 3 bases deleted.
Protein change: p.Arg16del; deletes arginine 16.
Molecular consequence: inframe indel (on NM_017849.3). On other transcripts: intron variant (1).
Genome position (GRCh38, 1-based): chr2:96,265,332-96,265,334, CTC deleted on the plus strand (GAG on the coding strand, the reverse complement: TMEM127 is on the minus strand); deleting any 3 consecutive bases within chr2:96,265,332-96,265,338 gives the same sequence; the position shown is the placement nearest the transcript's 3' end. VCF-style (leftmost placement, unchanged base first): chr2-96265331-GCTC-G. GRCh37 (hg19) VCF-style: chr2-96931069-GCTC-G.
Other names: c.45GAG[1], p.Arg16del (NM_001193304.3); c.44_46GGA[1], p.Arg16del (NM_017849.3); c.-9+535_-9+537del (NM_001407283.1); c.48_50delGAG (NM_017849.3); short protein forms R16del.
Identifiers: ClinVar variation 3457607 (VCV003457607.1).

ClinVar aggregate classification (germline): Uncertain significance (1 of 4 stars; one submission).

Conditions:
Hereditary cancer-predisposing syndrome. Also called: Tumor predisposition; Neoplastic Syndromes, Hereditary; Hereditary neoplastic syndrome; Hereditary Cancer Syndrome. Identifiers: Orphanet 140162, MedGen C0027672, MeSH D009386, MONDO:0015356.

Submission:

Ambry Genetics
Classification: Uncertain significance for Hereditary cancer-predisposing syndrome. Last evaluated: 2024-11-07. Review status: criteria provided, single submitter. Criteria: Ambry Variant Classification Scheme 2023. Collection method: clinical testing. Allele origin: germline.
Comment: The c.48_50delGAG variant (also known as p.R16del) is located in coding exon 1 of the TMEM127 gene. This variant results from an in-frame GAG deletion at nucleotide positions 48 to 50. This results in the in-frame deletion of an arginine at codon 16. This amino acid position is highly conserved in available vertebrate species. In addition, the in silico prediction for this alteration is inconclusive (Choi Y et al. PLoS ONE. 2012; 7(10):e46688). Based on the available evidence, the clinical significance of this variant remains unclear.